The following is an entry in ClinVar:

ClinVar aggregate classification (germline): Benign/Likely benign. Review status: criteria provided, multiple submitters, no conflicts (2 of 4 stars). 3 submissions from 3 submitters: Benign (2); Likely benign (1). Last evaluated 2026-06-01.

Allele frequency attached by ClinVar (database versions not stated): 1000 Genomes Project 30x 0.00453; 1000 Genomes Project 0.00459; TOPMed 0.00723; gnomAD 0.00757 and 0.00765; gnomAD exomes 0.00889 and 0.00924; ExAC 0.00979; ESP Exome Variant Server 0.01007.
gnomAD v4.1: 14,056 of 1,551,732 alleles (0.91%); highest among the groups gnomAD compares: Non-Finnish European, 0.97%; 86 homozygotes.

Submissions (3):

CeGaT Center for Human Genetics Tuebingen
Classification: Likely benign. Last evaluated: 2026-06-01. Review status: criteria provided, single submitter. Criteria: CeGaT Center For Human Genetics Tuebingen Variant Classification Criteria Version 2. Collection method: clinical testing. Allele origin: germline. Affected: yes. Observed: 1 variant allele.
Comment: DNAH6: BP4, BP7, BS2

Labcorp Genetics (formerly Invitae), Labcorp
Classification: Benign. Last evaluated: 2019-12-31. Review status: criteria provided, single submitter. Criteria: Invitae Variant Classification Sherloc (09022015). Collection method: clinical testing. Allele origin: germline.

Breakthrough Genomics
Classification: Benign. Review status: criteria provided, single submitter. Criteria: ACMG Guidelines, 2015. Collection method: not provided. Allele origin: germline. Inheritance: Unknown mechanism. Affected: yes.

NM_001370.2(DNAH6):c.7716G>A (p.Leu2572=)

Gene: DNAH6 (dynein axonemal heavy chain 6; plus strand). Cytogenetic location: 2p11.2.
Variant type: single nucleotide variant.
Coding change: c.7716G>A on transcript NM_001370.2 (MANE Select); coding-DNA position 7716, G replaced by A.
Protein change: p.Leu2572=; no amino-acid change (leucine 2572 retained).
Molecular consequence: synonymous variant.
Genome position (GRCh38, 1-based): chr2:84,699,632, G>A. VCF-style: chr2-84699632-G-A. GRCh37 (hg19) VCF-style: chr2-84926756-G-A.
Identifiers: ClinVar variation 776342 (VCV000776342.7), dbSNP rs74514752, ClinGen allele CA1737456.
Genomic context (GRCh38, chr2:84,699,632, plus strand): 5'-AAAATAACTTTCTTTTTGTCAGGTGTTTCAATACTTTATCAGCAAAGTGCGTCAGAAGCT[G>A]CACATTGTTCTCTGCATGAGCCCAGTTGGGGAGGCCTTTCGGTCCCGATGCAGGATGTTT-3'
Protein context (NP_001361.1, residues 2562-2582): QYFISKVRQK[Leu2572=]HIVLCMSPVG